The following is an entry in ClinVar:

ClinVar aggregate classification (germline): Uncertain significance (1 of 4 stars; one submission).

Allele frequency attached by ClinVar (database versions not stated): gnomAD exomes below 0.00001.
gnomAD v4.1: 1 of 1,612,824 alleles (0.000062%); no homozygotes.

Submission:

Labcorp Genetics (formerly Invitae), Labcorp
Classification: Uncertain significance. Last evaluated: 2021-11-02. Review status: criteria provided, single submitter. Criteria: Invitae Variant Classification Sherloc (09022015). Collection method: clinical testing. Allele origin: germline.
Comment: This sequence change replaces serine, which is neutral and polar, with isoleucine, which is neutral and non-polar, at codon 728 of the TBCK protein (p.Ser728Ile). This variant is present in population databases (no rsID available, gnomAD no frequency). This variant has not been reported in the literature in individuals affected with TBCK-related conditions. Algorithms developed to predict the effect of missense changes on protein structure and function (SIFT, PolyPhen-2, Align-GVGD) all suggest that this variant is likely to be tolerated. In summary, the available evidence is currently insufficient to determine the role of this variant in disease. Therefore, it has been classified as a Variant of Uncertain Significance.

NM_001163435.3(TBCK):c.2183G>T (p.Ser728Ile)

Gene: TBCK (TBC1 domain containing kinase; minus strand). Cytogenetic location: 4q24.
Variant type: single nucleotide variant.
Coding change: c.2183G>T on transcript NM_001163435.3 (MANE Select); coding-DNA position 2183, G replaced by T.
Protein change: p.Ser728Ile; replaces serine 728 with isoleucine.
Molecular consequence: missense variant.
Genome position (GRCh38, 1-based): chr4:106,171,147, C>A on the plus strand (G>T on the coding strand, the complement: TBCK is on the minus strand). VCF-style: chr4-106171147-C-A. GRCh37 (hg19) VCF-style: chr4-107092304-C-A.
Other names: c.2183G>T, p.Ser728Ile (NM_001163436.4); c.2066G>T, p.Ser689Ile (NM_001163437.3); c.1667G>T, p.Ser556Ile (NM_001290768.2); c.1994G>T, p.Ser665Ile (NM_033115.5); short protein forms S728I, S689I, S556I, S665I.
Identifiers: ClinVar variation 1390829 (VCV001390829.3), dbSNP rs1231195259, ClinGen allele CA357819248.